The following is an entry in ClinVar:

NM_000043.6(FAS):c.301T>A (p.Cys101Ser)

Gene: FAS (Fas cell surface death receptor; plus strand). Cytogenetic location: 10q23.31.
Variant type: single nucleotide variant.
Coding change: c.301T>A on transcript NM_000043.6 (MANE Select); coding-DNA position 301, T replaced by A.
Protein change: p.Cys101Ser; replaces cysteine 101 with serine.
Molecular consequence: missense variant. On other transcripts: non-coding transcript variant (4).
Genome position (GRCh38, 1-based): chr10:89,007,804, T>A. VCF-style: chr10-89007804-T-A. GRCh37 (hg19) VCF-style: chr10-90767561-T-A.
Other names: c.301T>A, p.Cys101Ser (NM_001320619.2, NM_152871.4, NM_152872.4); c.346T>A, p.Cys116Ser (NM_001410956.1); short protein forms C101S, C116S.
Identifiers: ClinVar variation 1879140 (VCV001879140.29), dbSNP rs2495101179, ClinGen allele CA377508319.
Genomic context (GRCh38, chr10:89,007,804, plus strand): 5'-GACTGCGTGCCCTGCCAAGAAGGGAAGGAGTACACAGACAAAGCCCATTTTTCTTCCAAA[T>A]GCAGAAGATGTAGATTGTGTGATGAAGGACATGGTAAGAGTCTTAAAATGCAATTGAAAG-3'
Protein context (NP_000034.1, residues 91-111): YTDKAHFSSK[Cys101Ser]RRCRLCDEGH

ClinVar aggregate classification (germline): Uncertain significance (1 of 4 stars; one submission).

Submission:

CeGaT Center for Human Genetics Tuebingen
Classification: Uncertain significance. Last evaluated: 2022-10-01. Review status: criteria provided, single submitter. Criteria: CeGaT Center For Human Genetics Tuebingen Variant Classification Criteria Version 2. Collection method: clinical testing. Allele origin: germline. Affected: yes. Observed: 1 variant allele.
Comment: FAS: PM1, PM2